The following is an entry in ClinVar:

NM_016169.4(SUFU):c.910+14C>T

Gene: SUFU (SUFU negative regulator of hedgehog signaling; plus strand). Cytogenetic location: 10q24.32.
Variant type: single nucleotide variant.
Coding change: c.910+14C>T on transcript NM_016169.4 (MANE Select); 14 bases into the intron after coding-DNA position 910, C replaced by T.
Molecular consequence: intron variant.
Genome position (GRCh38, 1-based): chr10:102,597,307, C>T. VCF-style: chr10-102597307-C-T. GRCh37 (hg19) VCF-style: chr10-104357064-C-T.
Other names: c.910+14C>T (NM_001178133.2).
Identifiers: ClinVar variation 298574 (VCV000298574.23), dbSNP rs202247757, ClinGen allele CA5667802.

ClinVar aggregate classification (germline): Conflicting classifications of pathogenicity. Review status: criteria provided, conflicting classifications (1 of 4 stars). 11 submissions from 11 submitters: Uncertain significance (2); Benign (2); Likely benign (4). 3 of the submissions do not count toward it. Last evaluated 2026-02-02.

Conditions:
SUFU-related disorder. Also called: SUFU-related condition; SUFU-related disorders.
Medulloblastoma (MDB). Also called: Medulloblastoma, somatic; MEDULLOBLASTOMA PREDISPOSITION SYNDROME. Identifiers: Orphanet 616, MedGen C0025149, MeSH D008527, MONDO:0007959, OMIM 155255, HP:0002885.
Gorlin syndrome. Also called: Nevoid Basal Cell Carcinoma Syndrome; Basal cell nevus syndrome. Identifiers: Orphanet 377, MedGen C0004779, MONDO:0007187.
Meningioma. Also called: Meningioma, somatic. Identifiers: Orphanet 2495, MedGen C0025286, MONDO:0016642, HP:0002858.

Allele frequency attached by ClinVar (database versions not stated): TOPMed 0.00122; ExAC 0.00129; gnomAD 0.00133 and 0.00139; gnomAD exomes 0.00135 and 0.00182; ESP Exome Variant Server 0.00146.
gnomAD v4.1: 2,824 of 1,610,006 alleles (0.18%); highest among the groups gnomAD compares: Non-Finnish European, 0.22%; 3 homozygotes.

Submissions (11):

Labcorp Genetics (formerly Invitae), Labcorp
Classification: Benign for Gorlin syndrome; Medulloblastoma. Last evaluated: 2026-02-02. Review status: criteria provided, single submitter. Criteria: Invitae Variant Classification Sherloc (09022015). Collection method: clinical testing. Allele origin: germline.

ARUP Laboratories, Molecular Genetics and Genomics, ARUP Laboratories
Classification: Benign. Last evaluated: 2025-06-27. Review status: criteria provided, single submitter. Criteria: ARUP Molecular Germline Variant Investigation Process 2024. Collection method: clinical testing. Allele origin: germline.

Center for Genomic Medicine, Rigshospitalet, Copenhagen University Hospital
Classification: Likely benign. Last evaluated: 2025-03-04. Review status: criteria provided, single submitter. Criteria: ACMG Guidelines, 2015. Collection method: clinical testing. Allele origin: germline.

Blueprint Genetics
Classification: Likely benign. Last evaluated: 2024-11-25. Review status: criteria provided, single submitter. Criteria: ACMG Guidelines, 2015. Collection method: clinical testing. Allele origin: germline.

Department of Pathology and Laboratory Medicine, Sinai Health System
Classification: Likely benign for Meningioma. Last evaluated: 2022-02-02. Review status: criteria provided, single submitter. Criteria: ACMG Guidelines, 2015. Collection method: clinical testing. Allele origin: germline. Affected: yes.

Institute for Clinical Genetics, University Hospital TU Dresden, University Hospital TU Dresden
Classification: Uncertain significance. Last evaluated: 2021-11-03. Review status: criteria provided, single submitter. Criteria: ACMG Guidelines, 2015. Collection method: clinical testing. Allele origin: germline.

Illumina Laboratory Services, Illumina
Classification: Uncertain significance for Medulloblastoma. Last evaluated: 2018-01-13. Review status: criteria provided, single submitter. Criteria: ICSL Variant Classification Criteria 13 December 2019. Collection method: clinical testing. Allele origin: germline.

GeneDx
Classification: Likely benign. Last evaluated: 2017-02-21. Review status: criteria provided, single submitter. Criteria: GeneDx Variant Classification (06012015). Collection method: clinical testing. Allele origin: germline. Affected: yes.
Comment: This variant is considered likely benign or benign based on one or more of the following criteria: it is a conservative change, it occurs at a poorly conserved position in the protein, it is predicted to be benign by multiple in silico algorithms, and/or has population frequency not consistent with disease.

PreventionGenetics, part of Exact Sciences
Classification: Likely benign for SUFU-related condition. Last evaluated: 2022-11-18. Review status: no assertion criteria provided. Collection method: clinical testing. Allele origin: germline. Not counted in ClinVar's aggregate classification.
Comment: This variant is classified as likely benign based on ACMG/AMP sequence variant interpretation guidelines (Richards et al. 2015 PMID: 25741868, with internal and published modifications).

Diagnostic Laboratory, Department of Genetics, University Medical Center Groningen
Classification: Likely benign for Medulloblastoma. Review status: no assertion criteria provided. Collection method: clinical testing. Allele origin: germline. Affected: yes. Study: VKGL Data-share Consensus. Not counted in ClinVar's aggregate classification.

Genome Diagnostics Laboratory, Amsterdam University Medical Center
Classification: Likely benign. Review status: no assertion criteria provided. Collection method: clinical testing. Allele origin: germline. Affected: yes. Study: VKGL Data-share Consensus. Not counted in ClinVar's aggregate classification.